The following is an entry in ClinVar:

ClinVar aggregate classification (germline): Uncertain significance. Review status: criteria provided, multiple submitters, no conflicts (2 of 4 stars). 2 submissions from 2 submitters: Uncertain significance (2). Last evaluated 2024-03-06.

Conditions:
Hereditary cancer-predisposing syndrome. Also called: Neoplastic Syndromes, Hereditary; Hereditary neoplastic syndrome; Tumor predisposition; Hereditary Cancer Syndrome. Identifiers: Orphanet 140162, MedGen C0027672, MeSH D009386, MONDO:0015356.
Ataxia-telangiectasia syndrome (AT). Also called: Ataxia-telangiectasia, complementation group D; AT, COMPLEMENTATION GROUP C; Ataxia telangiectasia (A-T); Cerebello-oculocutaneous telangiectasia; Immunodeficiency with ataxia telangiectasia; Ataxia-telangiectasia. Identifiers: Orphanet 100, MedGen C0004135, MONDO:0008840, OMIM 208900.

Allele frequency attached by ClinVar (database versions not stated): gnomAD exomes below 0.00001.
gnomAD v4.1: 2 of 1,599,592 alleles (0.00013%); highest among the groups gnomAD compares: Non-Finnish European, 0.00017%; no homozygotes.

Submissions (2):

Color Diagnostics, LLC DBA Color Health
Classification: Uncertain significance for Hereditary cancer-predisposing syndrome. Last evaluated: 2024-03-06. Review status: criteria provided, single submitter. Criteria: ACMG Guidelines, 2015. Collection method: clinical testing. Allele origin: germline.
Comment: This missense variant replaces isoleucine with asparagine at codon 1557 of the ATM protein. Computational prediction suggests that this variant may not impact protein structure and function (internally defined REVEL score threshold <= 0.5, PMID: 27666373). Splice site prediction tools suggest that this variant may not impact RNA splicing. To our knowledge, functional studies have not been performed for this variant. This variant has not been reported in individuals affected with hereditary cancer in the literature. This variant has not been identified in the general population by the Genome Aggregation Database (gnomAD). The available evidence is insufficient to determine the role of this variant in disease conclusively. Therefore, this variant is classified as a Variant of Uncertain Significance.

Labcorp Genetics (formerly Invitae), Labcorp
Classification: Uncertain significance for Ataxia-telangiectasia syndrome. Last evaluated: 2019-02-06. Review status: criteria provided, single submitter. Criteria: Invitae Variant Classification Sherloc (09022015). Collection method: clinical testing. Allele origin: germline.
Comment: In summary, the available evidence is currently insufficient to determine the role of this variant in disease. Therefore, it has been classified as a Variant of Uncertain Significance. Algorithms developed to predict the effect of missense changes on protein structure and function (SIFT, PolyPhen-2, Align-GVGD) all suggest that this variant is likely to be tolerated, but these predictions have not been confirmed by published functional studies and their clinical significance is uncertain. This variant has not been reported in the literature in individuals with ATM-related conditions. This variant is not present in population databases (ExAC no frequency). This sequence change replaces isoleucine with asparagine at codon 1557 of the ATM protein (p.Ile1557Asn). The isoleucine residue is weakly conserved and there is a large physicochemical difference between isoleucine and asparagine.

NM_000051.4(ATM):c.4670T>A (p.Ile1557Asn)

Gene: ATM (ATM serine/threonine kinase; plus strand). Cytogenetic location: 11q22.3.
Variant type: single nucleotide variant.
Coding change: c.4670T>A on transcript NM_000051.4 (MANE Select); coding-DNA position 4670, T replaced by A.
Protein change: p.Ile1557Asn; replaces isoleucine 1557 with asparagine.
Molecular consequence: missense variant.
Genome position (GRCh38, 1-based): chr11:108,293,371, T>A. VCF-style: chr11-108293371-T-A. GRCh37 (hg19) VCF-style: chr11-108164098-T-A.
Other names: c.4670T>A, p.Ile1557Asn (NM_001351834.2); short protein forms I1557N.
Identifiers: ClinVar variation 843181 (VCV000843181.14), dbSNP rs2082917922, ClinGen allele CA382534693.